The following is an entry in ClinVar:

ClinVar aggregate classification (germline): Uncertain significance (1 of 4 stars; one submission).

Conditions:
Inborn genetic diseases. Identifiers: MedGen C0950123, MeSH D030342.

gnomAD v4.1: 1 of 1,611,852 alleles (0.000062%); highest among the groups gnomAD compares: African/African-American, 0.0013%; no homozygotes.

Submission:

Ambry Genetics
Classification: Uncertain significance for Inborn genetic diseases. Last evaluated: 2025-02-11. Review status: criteria provided, single submitter. Criteria: Ambry Variant Classification Scheme 2023. Collection method: clinical testing. Allele origin: germline.
Comment: The p.S1983G variant (also known as c.5947A>G), located in coding exon 22 of the FANCM gene, results from an A to G substitution at nucleotide position 5947. The serine at codon 1983 is replaced by glycine, an amino acid with similar properties. This amino acid position is conserved. In addition, this alteration is predicted to be tolerated by in silico analysis. Based on the available evidence, the clinical significance of this variant remains unclear.

NM_020937.4(FANCM):c.5947A>G (p.Ser1983Gly)

Gene: FANCM (FA complementation group M; plus strand). Cytogenetic location: 14q21.2.
Variant type: single nucleotide variant.
Coding change: c.5947A>G on transcript NM_020937.4 (MANE Select); coding-DNA position 5947, A replaced by G.
Protein change: p.Ser1983Gly; replaces serine 1983 with glycine.
Molecular consequence: missense variant.
Genome position (GRCh38, 1-based): chr14:45,198,874, A>G. VCF-style: chr14-45198874-A-G. GRCh37 (hg19) VCF-style: chr14-45668077-A-G.
Other names: c.5869A>G, p.Ser1957Gly (NM_001308133.2); short protein forms S1957G, S1983G.
Identifiers: ClinVar variation 3848722 (VCV003848722.1).